The following is an entry in ClinVar:

ClinVar aggregate classification (germline): Uncertain significance (1 of 4 stars; one submission).

Conditions:
Hereditary cancer-predisposing syndrome. Also called: Hereditary neoplastic syndrome; Tumor predisposition; Hereditary Cancer Syndrome; Neoplastic Syndromes, Hereditary. Identifiers: Orphanet 140162, MedGen C0027672, MeSH D009386, MONDO:0015356.

Submission:

Ambry Genetics
Classification: Uncertain significance for Hereditary cancer-predisposing syndrome. Last evaluated: 2023-06-15. Review status: criteria provided, single submitter. Criteria: Ambry Variant Classification Scheme 2023. Collection method: clinical testing. Allele origin: germline.
Comment: The p.A744S variant (also known as c.2230G>T), located in coding exon 9 of the BRCA1 gene, results from a G to T substitution at nucleotide position 2230. The alanine at codon 744 is replaced by serine, an amino acid with similar properties. This amino acid position is conserved. In addition, this alteration is predicted to be tolerated by in silico analysis. Since supporting evidence is limited at this time, the clinical significance of this alteration remains unclear.

NM_007294.4(BRCA1):c.2230G>T (p.Ala744Ser)

Gene: BRCA1 (BRCA1 DNA repair associated; minus strand). Cytogenetic location: 17q21.31.
Variant type: single nucleotide variant.
Coding change: c.2230G>T on transcript NM_007294.4 (MANE Select); coding-DNA position 2230, G replaced by T.
Protein change: p.Ala744Ser; replaces alanine 744 with serine.
Molecular consequence: missense variant. On other transcripts: intron variant (137).
Genome position (GRCh38, 1-based): chr17:43,093,301, C>A on the plus strand (G>T on the coding strand, the complement: BRCA1 is on the minus strand). VCF-style: chr17-43093301-C-A. GRCh37 (hg19) VCF-style: chr17-41245318-C-A.
Other names: c.2230G>T, p.Ala744Ser (NM_001407623.1, NM_001407624.1, NM_001407625.1 and 30 more transcripts); c.2227G>T, p.Ala743Ser (NM_001407627.1, NM_001407628.1, NM_001407629.1 and 22 more transcripts); c.2221G>T, p.Ala741Ser (NM_001407646.1, NM_001407647.1); c.2107G>T, p.Ala703Ser (NM_001407648.1, NM_001407664.1, NM_001407665.1 and 19 more transcripts); c.2104G>T, p.Ala702Ser (NM_001407649.1, NM_001407670.1, NM_001407671.1 and 11 more transcripts); c.2152G>T, p.Ala718Ser (NM_001407653.1, NM_001407654.1, NM_001407655.1 and 4 more transcripts); c.2149G>T, p.Ala717Ser (NM_001407659.1, NM_001407660.1, NM_001407661.1 and 1 more transcripts); c.2089G>T, p.Ala697Ser (NM_001407692.1, NM_001407694.1, NM_001407695.1 and 29 more transcripts); and 41 more; short protein forms A632S, A655S, A674S, A703S, A743S, A744S, A576S, A616S.
Identifiers: ClinVar variation 2585821 (VCV002585821.2), dbSNP rs786203435, ClinGen allele CA10597538.